The following is an entry in ClinVar:

ClinVar aggregate classification (germline): Conflicting classifications of pathogenicity. Review status: criteria provided, conflicting classifications (1 of 4 stars). 4 submissions from 4 submitters: Uncertain significance (3); Benign (1). Last evaluated 2025-12-30.

Conditions:
Cystic fibrosis (CF). Also called: MUCOVISCIDOSIS. Identifiers: Orphanet 586, MedGen C0010674, MONDO:0009061, OMIM 219700. Disease mechanism: loss of function.

Allele frequency attached by ClinVar (database versions not stated): gnomAD 0.00001; gnomAD exomes 0.00003 and 0.00010; ExAC 0.00012; 1000 Genomes Project 30x 0.00031; 1000 Genomes Project 0.00040.
gnomAD v4.1: 51 of 1,591,194 alleles (0.0032%); highest among the groups gnomAD compares: Middle Eastern, 0.033%; 3 homozygotes.

Submissions (4):

Labcorp Genetics (formerly Invitae), Labcorp
Classification: Benign for Cystic fibrosis. Last evaluated: 2025-12-30. Review status: criteria provided, single submitter. Criteria: Invitae Variant Classification Sherloc (09022015). Collection method: clinical testing. Allele origin: germline.

Ambry Genetics
Classification: Uncertain significance for Cystic fibrosis. Last evaluated: 2023-12-29. Review status: criteria provided, single submitter. Criteria: Ambry Variant Classification Scheme 2023. Collection method: clinical testing. Allele origin: germline.
Comment: The p.L986P variant (also known as c.2957T>C), located in coding exon 18 of the CFTR gene, results from a T to C substitution at nucleotide position 2957. The leucine at codon 986 is replaced by proline, an amino acid with similar properties. This amino acid position is not well conserved in available vertebrate species. In addition, this alteration is predicted to be deleterious by in silico analysis. Since supporting evidence is limited at this time, the clinical significance of this alteration remains unclear.

Women's Health and Genetics/Laboratory Corporation of America, LabCorp
Classification: Uncertain significance. Last evaluated: 2021-11-09. Review status: criteria provided, single submitter. Criteria: LabCorp Variant Classification Summary - May 2015. Collection method: clinical testing. Allele origin: germline.
Comment: Variant summary: CFTR c.2957T>C (p.Leu986Pro) results in a non-conservative amino acid change located in the ABC transporter type 1, transmembrane domain (IPR011527) of the encoded protein sequence. Five of five in-silico tools predict a damaging effect of the variant on protein function. The variant allele was found at a frequency of 0.0001 in 251184 control chromosomes in the gnomAD database, including 2 homozygotes. This frequency is not significantly higher than expected for a pathogenic variant in CFTR causing Cystic Fibrosis (0.0001 vs 0.013), allowing no conclusion about variant significance. To our knowledge, no occurrence of c.2957T>C in individuals affected with Cystic Fibrosis and no experimental evidence demonstrating its impact on protein function have been reported. One ClinVar submitter (evaluation after 2014) cites the variant as benign. Based on the evidence outlined above, the variant was classified as VUS-possibly benign.

Revvity Omics, Revvity
Classification: Uncertain significance. Last evaluated: 2019-07-22. Review status: criteria provided, single submitter. Criteria: ACMG Guidelines, 2015. Collection method: clinical testing. Allele origin: germline.

NM_000492.4(CFTR):c.2957T>C (p.Leu986Pro)

Genes: CFTR (CF transmembrane conductance regulator; plus strand), CFTR-AS2 (CFTR antisense RNA 2; minus strand). Cytogenetic location: 7q31.2.
Variant type: single nucleotide variant.
Coding change: c.2957T>C on transcript NM_000492.4 (MANE Select); coding-DNA position 2957, T replaced by C.
Protein change: p.Leu986Pro; replaces leucine 986 with proline.
Molecular consequence: missense variant.
Genome position (GRCh38, 1-based): chr7:117,606,722, T>C. VCF-style: chr7-117606722-T-C. GRCh37 (hg19) VCF-style: chr7-117246776-T-C.
Other names: short protein forms L986P.
Identifiers: ClinVar variation 1167465 (VCV001167465.15), dbSNP rs565971160, ClinGen allele CA4451336.